The following is an entry in ClinVar:

NM_020911.2(PLXNA4):c.1371+4363C>G

Gene: PLXNA4 (plexin A4; minus strand). Cytogenetic location: 7q32.3.
Variant type: single nucleotide variant.
Coding change: c.1371+4363C>G on transcript NM_020911.2 (MANE Select); 4363 bases into the intron after coding-DNA position 1371, C replaced by G.
Molecular consequence: intron variant. On other transcripts: missense variant (1).
Genome position (GRCh38, 1-based): chr7:132,484,929, G>C on the plus strand (C>G on the coding strand, the complement: PLXNA4 is on the minus strand). VCF-style: chr7-132484929-G-C. GRCh37 (hg19) VCF-style: chr7-132169688-G-C.
Other names: c.1456C>G, p.Gln486Glu (NM_181775.4); c.1371+4363C>G (NM_001393897.1, NM_001105543.2); short protein forms Q486E.
Identifiers: ClinVar variation 4986872 (VCV004986872.1).

ClinVar aggregate classification (germline): Uncertain significance (1 of 4 stars; one submission).

Conditions:
PLXNA4-related disorder. Also called: PLXNA4-related condition.

gnomAD v4.1: 2 of 1,614,026 alleles (0.00012%); highest among the groups gnomAD compares: Middle Eastern, 0.016%; no homozygotes.

Submission:

PreventionGenetics, part of Exact Sciences
Classification: Uncertain significance for PLXNA4-related condition. Last evaluated: 2025-09-30. Review status: criteria provided, single submitter. Criteria: ACMG Guidelines, 2015. Collection method: clinical testing. Allele origin: germline.
Comment: The PLXNA4 c.1456C>G variant is predicted to result in the amino acid substitution p.Gln486Glu. To our knowledge, this variant has not been reported in the literature or in a large population database (gnomAD), indicating this variant is rare. At this time, the clinical significance of this variant is uncertain due to the absence of conclusive functional and genetic evidence.